The following is an entry in ClinVar:

NM_002500.5(NEUROD1):c.755C>G (p.Ala252Gly)

Gene: NEUROD1 (neuronal differentiation 1; minus strand). Cytogenetic location: 2q31.3.
Variant type: single nucleotide variant.
Coding change: c.755C>G on transcript NM_002500.5 (MANE Select); coding-DNA position 755, C replaced by G.
Protein change: p.Ala252Gly; replaces alanine 252 with glycine.
Molecular consequence: missense variant.
Genome position (GRCh38, 1-based): chr2:181,678,106, G>C on the plus strand (C>G on the coding strand, the complement: NEUROD1 is on the minus strand). VCF-style: chr2-181678106-G-C. GRCh37 (hg19) VCF-style: chr2-182542833-G-C.
Other names: c.755C>G (NM_002500.3); short protein forms A252G.
Identifiers: ClinVar variation 1058714 (VCV001058714.10), dbSNP rs1409840273, ClinGen allele CA349783043.

ClinVar aggregate classification (germline): Uncertain significance. Review status: criteria provided, multiple submitters, no conflicts (2 of 4 stars). 2 submissions from 2 submitters: Uncertain significance (2). Last evaluated 2025-11-19.

Conditions:
Inborn genetic diseases. Identifiers: MedGen C0950123, MeSH D030342.

Submissions (2):

Ambry Genetics
Classification: Uncertain significance for Inborn genetic diseases. Last evaluated: 2025-11-19. Review status: criteria provided, single submitter. Criteria: Ambry Variant Classification Scheme 2023. Collection method: clinical testing. Allele origin: germline.

Labcorp Genetics (formerly Invitae), Labcorp
Classification: Uncertain significance. Last evaluated: 2024-05-22. Review status: criteria provided, single submitter. Criteria: Invitae Variant Classification Sherloc (09022015). Collection method: clinical testing. Allele origin: germline.
Comment: This sequence change replaces alanine, which is neutral and non-polar, with glycine, which is neutral and non-polar, at codon 252 of the NEUROD1 protein (p.Ala252Gly). This variant is not present in population databases (gnomAD no frequency). This variant has not been reported in the literature in individuals affected with NEUROD1-related conditions. ClinVar contains an entry for this variant (Variation ID: 1058714). Advanced modeling of protein sequence and biophysical properties (such as structural, functional, and spatial information, amino acid conservation, physicochemical variation, residue mobility, and thermodynamic stability) performed at Invitae indicates that this missense variant is not expected to disrupt NEUROD1 protein function with a negative predictive value of 80%. In summary, the available evidence is currently insufficient to determine the role of this variant in disease. Therefore, it has been classified as a Variant of Uncertain Significance.